The following is an entry in ClinVar:

NM_006015.6(ARID1A):c.1920+3_1920+6del

Gene: ARID1A (AT-rich interaction domain 1A; plus strand). Cytogenetic location: 1p36.11.
Variant type: Deletion.
Coding change: c.1920+3_1920+6del on transcript NM_006015.6 (MANE Select); bases 3 to 6 of the intron after coding-DNA position 1920, 4 bases deleted (GAGT; older notation c.1920+3_1920+6delGAGT).
Molecular consequence: splice donor variant.
Genome position (GRCh38, 1-based): chr1:26,732,795-26,732,798, GAGT deleted; deleting any 4 consecutive bases within chr1:26,732,793-26,732,798 gives the same sequence; the c. name uses the placement nearest the transcript's 3' end. VCF-style (leftmost placement, unchanged base first): chr1-26732792-TGTGA-T. GRCh37 (hg19) VCF-style: chr1-27059283-TGTGA-T.
Other names: c.1920+3_1920+6del (NM_139135.4).
Identifiers: ClinVar variation 1703008 (VCV001703008.2), dbSNP rs2124792810, ClinGen allele CA2580062641.
Genomic context (GRCh38, chr1:26,732,792, plus strand): 5'-CAGTAAGGGAGGGCAAGAAGATATGAACCTGAGCCTTCAGTCAAGACCCTCCAGCTTGCC[TGTGA>T]GTATTTCTGCACCTTCTGAAAGGTGATAGGGGCAGAGAGGAAACCAATGCAAACTAGTTA-3'

ClinVar aggregate classification (germline): Likely pathogenic (1 of 4 stars; one submission).

Conditions:
Intellectual disability, autosomal dominant 14 (CSS2). Also called: COFFIN-SIRIS SYNDROME 2. Identifiers: Orphanet 1465, MedGen C3553247, MONDO:0013819, OMIM 614607.

Submission:

Laboratory Division, Turku University Hospital
Classification: Likely pathogenic for Intellectual disability, autosomal dominant 14. Last evaluated: 2022-08-17. Review status: criteria provided, single submitter. Criteria: ACMG Guidelines, 2015. Collection method: clinical testing. Allele origin: de novo. Inheritance: Autosomal dominant inheritance. Affected: yes. Observed: 1 heterozygote.
Comment: Deletion c.1920+3_1920+6del at the splicing site causes four nucleotides to be removed from intron 4. This deletion affects negatively to the splicing of the transcript most likely leading to a truncated protein product. The gene region is conserved further emphasizing the pathogenic nature of this novel variant. The heterozygous ARID1A variant was classified into ACMG class 4: likely pathogenic (PS2, PM2, PP3). Variant was absent from parents indicating a de novo origin. ARID1A-variant was not reported in GnomAD or ClinVar databases.